The following is an entry in ClinVar:

NM_001103.4(ACTN2):c.2302A>G (p.Arg768Gly)

Gene: ACTN2 (actinin alpha 2; plus strand). Cytogenetic location: 1q43.
Variant type: single nucleotide variant.
Coding change: c.2302A>G on transcript NM_001103.4 (MANE Select); coding-DNA position 2302, A replaced by G.
Protein change: p.Arg768Gly; replaces arginine 768 with glycine.
Molecular consequence: missense variant. On other transcripts: non-coding transcript variant (1).
Genome position (GRCh38, 1-based): chr1:236,759,724, A>G. VCF-style: chr1-236759724-A-G. GRCh37 (hg19) VCF-style: chr1-236923024-A-G.
Other names: c.2302A>G, p.Arg768Gly (NM_001278343.2); c.1678A>G, p.Arg560Gly (NM_001278344.2); c.1552A>G, p.Arg518Gly (NM_001412150.1); short protein forms R560G, R768G, R518G.
Identifiers: ClinVar variation 2935603 (VCV002935603.3), dbSNP rs2527660048, ClinGen allele CA345390045.

ClinVar aggregate classification (germline): Uncertain significance (1 of 4 stars; one submission).

Conditions:
Primary familial hypertrophic cardiomyopathy (HCM). Identifiers: Orphanet 99739, MedGen C0949658, MeSH D024741, MONDO:0024573. Inheritance: Various modes of inheritance.
Dilated cardiomyopathy 1AA (CMD1AA). Also called: CARDIOMYOPATHY, DILATED, 1AA, WITH OR WITHOUT LEFT VENTRICULAR NONCOMPACTION; CARDIOMYOPATHY, FAMILIAL HYPERTROPHIC, 23, WITH OR WITHOUT LEFT VENTRICULAR NONCOMPACTION; Cardiomyopathy, dilated, 1AA, with or without LVNC. Identifiers: Orphanet 154, MedGen C2677338, MONDO:0012808, OMIM 612158.

Allele frequency attached by ClinVar (database versions not stated): gnomAD exomes below 0.00001.
gnomAD v4.1: 1 of 1,613,994 alleles (0.000062%); highest among the groups gnomAD compares: Non-Finnish European, 0.000085%; no homozygotes.

Submission:

Labcorp Genetics (formerly Invitae), Labcorp
Classification: Uncertain significance for Primary familial hypertrophic cardiomyopathy; Dilated cardiomyopathy 1AA. Last evaluated: 2024-02-22. Review status: criteria provided, single submitter. Criteria: Invitae Variant Classification Sherloc (09022015). Collection method: clinical testing. Allele origin: germline.
Comment: This sequence change replaces arginine, which is basic and polar, with glycine, which is neutral and non-polar, at codon 768 of the ACTN2 protein (p.Arg768Gly). This variant is not present in population databases (gnomAD no frequency). This variant has not been reported in the literature in individuals affected with ACTN2-related conditions. An algorithm developed to predict the effect of missense changes on protein structure and function (PolyPhen-2) suggests that this variant is likely to be tolerated. In summary, the available evidence is currently insufficient to determine the role of this variant in disease. Therefore, it has been classified as a Variant of Uncertain Significance.